The following is an entry in ClinVar:

NM_007294.4(BRCA1):c.807G>A (p.Leu269=)

Gene: BRCA1 (BRCA1 DNA repair associated; minus strand). Cytogenetic location: 17q21.31.
Variant type: single nucleotide variant.
Coding change: c.807G>A on transcript NM_007294.4 (MANE Select); coding-DNA position 807, G replaced by A.
Protein change: p.Leu269=; no amino-acid change (leucine 269 retained).
Molecular consequence: synonymous variant. On other transcripts: 5 prime UTR variant (2), intron variant (137).
Genome position (GRCh38, 1-based): chr17:43,094,724, C>T on the plus strand (G>A on the coding strand, the complement: BRCA1 is on the minus strand). VCF-style: chr17-43094724-C-T. GRCh37 (hg19) VCF-style: chr17-41246741-C-T.
Other names: p.L269L:TTG>TTA; c.666G>A, p.Leu222= (NM_001407736.1, NM_001407737.1, NM_001407738.1 and 29 more transcripts); c.663G>A, p.Leu221= (NM_001407740.1, NM_001407741.1, NM_001407742.1 and 20 more transcripts); c.594G>A, p.Leu198= (NM_001407853.1, NM_001407894.1, NM_001407895.1 and 9 more transcripts); c.807G>A, p.Leu269= (NM_001407854.1, NM_001407858.1, NM_001407859.1 and 30 more transcripts); c.804G>A, p.Leu268= (NM_001407860.1, NM_001407861.1, NM_001407587.1 and 22 more transcripts); c.606G>A, p.Leu202= (NM_001407862.1); c.684G>A, p.Leu228= (NM_001407863.1, NM_001407919.1, NM_001407937.1 and 19 more transcripts); and 41 more.
Identifiers: ClinVar variation 136540 (VCV000136540.29), dbSNP rs149867679, ClinGen allele CA003893.

ClinVar aggregate classification (germline): Benign. Review status: reviewed by expert panel (3 of 4 stars). 12 submissions from 12 submitters: Benign (1). 11 of the submissions do not count toward it. Last evaluated 2017-06-29.

Conditions:
Hereditary cancer-predisposing syndrome. Also called: Tumor predisposition; Hereditary neoplastic syndrome; Hereditary Cancer Syndrome; Neoplastic Syndromes, Hereditary. Identifiers: Orphanet 140162, MedGen C0027672, MeSH D009386, MONDO:0015356.
Hereditary breast ovarian cancer syndrome. Also called: Hereditary breast and/or ovarian cancer syndrome; Breast and ovarian cancer; Hereditary breast and ovarian cancer syndrome; Hereditary breast and ovarian cancer; Hereditary breast and ovarian cancer syndrome (HBOC); BRCA1- and BRCA2-Associated Hereditary Breast and Ovarian Cancer. Identifiers: Orphanet 145, MedGen C0677776, MeSH D061325, MONDO:0003582. Disease mechanism: loss of function.
Breast-ovarian cancer, familial, susceptibility to, 1 (BROVCA1). Also called: BRCA1 Hereditary Breast and Ovarian Cancer; OVARIAN CANCER, SUSCEPTIBILITY TO. Identifiers: Orphanet 145, MedGen C2676676, MONDO:0011450, OMIM 604370. Disease mechanism: loss of function.
Familial cancer of breast. Also called: Hereditary breast cancer; hereditary breast carcinoma; BREAST CANCER, FAMILIAL. Identifiers: Orphanet 227535, MedGen C0346153, MONDO:0016419, OMIM 114480. Disease mechanism: loss of function.

Allele frequency attached by ClinVar (database versions not stated): gnomAD exomes 0.00008; ExAC 0.00011; 1000 Genomes Project 0.00020; gnomAD 0.00022; TOPMed 0.00027; 1000 Genomes Project 30x 0.00031; ESP Exome Variant Server 0.00031.
gnomAD v4.1: 77 of 1,611,378 alleles (0.0048%); highest among the groups gnomAD compares: African/African-American, 0.084%; no homozygotes.

Submissions (12):

Evidence-based Network for the Interpretation of Germline Mutant Alleles (ENIGMA)
Classification: Benign for Breast-ovarian cancer, familial, susceptibility to, 1. Last evaluated: 2017-06-29. Review status: reviewed by expert panel. Criteria: ENIGMA BRCA1/2 Classification Criteria (2017-06-29). Collection method: curation. Allele origin: germline.
Comment: Synonymous substitution variant, with low bioinformatic likelihood to alter mRNA splicing (splicing prior 0.02) and frequency 0.0012 (African), derived from ExAC (2014-12-17).

Labcorp Genetics (formerly Invitae), Labcorp
Classification: Benign for Hereditary breast ovarian cancer syndrome. Last evaluated: 2026-01-20. Review status: criteria provided, single submitter. Criteria: Invitae Variant Classification Sherloc (09022015). Collection method: clinical testing. Allele origin: germline. Not counted in ClinVar's aggregate classification.

Center for Genomic Medicine, Rigshospitalet, Copenhagen University Hospital
Classification: Benign. Last evaluated: 2025-03-04. Review status: criteria provided, single submitter. Criteria: ACMG Guidelines, 2015. Collection method: clinical testing. Allele origin: germline. Not counted in ClinVar's aggregate classification.

Quest Diagnostics Nichols Institute San Juan Capistrano
Classification: Benign. Last evaluated: 2023-06-21. Review status: criteria provided, single submitter. Criteria: Quest Diagnostics criteria. Collection method: clinical testing. Allele origin: unknown. Not counted in ClinVar's aggregate classification.

Sema4
Classification: Likely benign for Hereditary cancer-predisposing syndrome. Last evaluated: 2022-01-09. Review status: criteria provided, single submitter. Criteria: Sema4 Curation Guidelines. Collection method: curation. Allele origin: germline. Not counted in ClinVar's aggregate classification.

Blueprint Genetics
Classification: Likely benign. Last evaluated: 2020-12-03. Review status: criteria provided, single submitter. Criteria: ACMG Guidelines, 2015. Collection method: clinical testing. Allele origin: germline. Not counted in ClinVar's aggregate classification.

Baylor Genetics
Classification: Benign for Familial cancer of breast. Last evaluated: 2017-02-23. Review status: criteria provided, single submitter. Criteria: ACMG Guidelines, 2015. Collection method: clinical testing. Allele origin: germline. Inheritance: Autosomal dominant inheritance. Affected: no. Not counted in ClinVar's aggregate classification.

Color Diagnostics, LLC DBA Color Health
Classification: Likely benign for Hereditary cancer-predisposing syndrome. Last evaluated: 2016-05-16. Review status: criteria provided, single submitter. Criteria: ACMG Guidelines, 2015. Collection method: clinical testing. Allele origin: germline. Not counted in ClinVar's aggregate classification.

Ambry Genetics
Classification: Likely benign for Hereditary cancer-predisposing syndrome. Last evaluated: 2014-06-03. Review status: criteria provided, single submitter. Criteria: Ambry Variant Classification Scheme 2023. Collection method: clinical testing. Allele origin: germline. Not counted in ClinVar's aggregate classification.

GeneDx
Classification: Benign. Last evaluated: 2014-02-21. Review status: criteria provided, single submitter. Criteria: GeneDx Variant Classification (06012015). Collection method: clinical testing. Allele origin: germline. Affected: yes. Not counted in ClinVar's aggregate classification.
Comment: This variant is considered likely benign or benign based on one or more of the following criteria: it is a conservative change, it occurs at a poorly conserved position in the protein, it is predicted to be benign by multiple in silico algorithms, and/or has population frequency not consistent with disease.

Counsyl
Classification: Likely benign for Breast-ovarian cancer, familial, susceptibility to, 1. Last evaluated: 2016-04-13. Review status: no assertion criteria provided. Collection method: clinical testing. Allele origin: unknown. Not counted in ClinVar's aggregate classification.

Department of Pathology and Laboratory Medicine, Sinai Health System
Classification: Benign. Review status: no assertion criteria provided. Collection method: clinical testing. Allele origin: unknown. Affected: yes. Observed: 1 variant allele. Study: The Canadian Open Genetics Repository (COGR). Not counted in ClinVar's aggregate classification.
Comment: The p.Leu269Leu variant is not expected to have clinical significance because it does not alter an amino acid residue, is not located near a splice junction, and is listed in dbSNP database (rs149867679) with a MAF score of 0.001. It was also reported in 1/111260 proband chromosomes of an individual from a HBOC family, and classified as a polymorphism in the study by Myriad; although no control chromosomes were tested to establish the variant's frequency in the general population (Judkins_2005). In addition, the variant was also identified in the UMD (x1), Exome Server and BOCs databases. In summary, based on the above information, the variant is classified as benign.

Literature cited by the submitters: PubMed 15829246 (cited by Quest Diagnostics Nichols Institute San Juan Capistrano); PubMed 16267036 (cited by Quest Diagnostics Nichols Institute San Juan Capistrano).